The following is an entry in ClinVar:

NM_000064.4(C3):c.1344C>T (p.Thr448=)

Gene: C3 (complement C3; minus strand). Cytogenetic location: 19p13.3.
Variant type: single nucleotide variant.
Coding change: c.1344C>T on transcript NM_000064.4 (MANE Select); coding-DNA position 1344, C replaced by T.
Protein change: p.Thr448=; no amino-acid change (threonine 448 retained).
Molecular consequence: synonymous variant.
Genome position (GRCh38, 1-based): chr19:6,711,122, G>A on the plus strand (C>T on the coding strand, the complement: C3 is on the minus strand). VCF-style: chr19-6711122-G-A. GRCh37 (hg19) VCF-style: chr19-6711133-G-A.
Other names: p.Thr448=.
Identifiers: ClinVar variation 783814 (VCV000783814.18), dbSNP rs150934856, ClinGen allele CA9129484.
Genomic context (GRCh38, chr19:6,711,122, plus strand): 5'-CCCGGGTCTGAGCTCTGTACGTAGCACTGAGAGATGCAGGTAATTGTTGGAGTTGCCCAC[G>A]GTGCTGTAGGGCAGAGCCTGCATGGTCCTGGTAGCCTGCTCTGCCTCCGAGAGCTCCTGC-3'
Protein context (NP_000055.2, residues 438-458): TRTMQALPYS[Thr448=]VGNSNNYLHL

ClinVar aggregate classification (germline): Benign/Likely benign. Review status: criteria provided, multiple submitters, no conflicts (2 of 4 stars). 7 submissions from 7 submitters: Benign (2); Likely benign (4). 1 of the submissions does not count toward it. Last evaluated 2026-01-28.

Conditions:
C3-related disorder. Also called: C3-related condition.
Complement component 3 deficiency. Identifiers: Orphanet 280133, MedGen C3151071, MONDO:0013417, OMIM 613779.
Atypical hemolytic-uremic syndrome with C3 anomaly. Also called: AHUS, SUSCEPTIBILITY TO, 5. Identifiers: Orphanet 2134, MedGen C2752037, MONDO:0013043, OMIM 612925.
Age related macular degeneration 9. Identifiers: MedGen C1969651, MONDO:0012659, OMIM 611378.

Allele frequency attached by ClinVar (database versions not stated): gnomAD exomes 0.00009 and 0.00030; ExAC 0.00036; gnomAD 0.00085 and 0.00086; TOPMed 0.00102; ESP Exome Variant Server 0.00123; 1000 Genomes Project 0.00200; 1000 Genomes Project 30x 0.00203.
gnomAD v4.1: 271 of 1,613,944 alleles (0.017%); highest among the groups gnomAD compares: African/African-American, 0.29%; no homozygotes.

Submissions (7):

Labcorp Genetics (formerly Invitae), Labcorp
Classification: Benign. Last evaluated: 2026-01-28. Review status: criteria provided, single submitter. Criteria: Invitae Variant Classification Sherloc (09022015). Collection method: clinical testing. Allele origin: germline.

Mayo Clinic Laboratories, Mayo Clinic
Classification: Likely benign. Last evaluated: 2025-11-30. Review status: criteria provided, single submitter. Criteria: ACMG Guidelines, 2015. Collection method: clinical testing. Allele origin: germline. Observed: 6 variant alleles.
Comment: BP4, BP7

Women's Health and Genetics/Laboratory Corporation of America, LabCorp
Classification: Likely benign. Last evaluated: 2024-03-05. Review status: criteria provided, single submitter. Criteria: LabCorp Variant Classification Summary - May 2015. Collection method: clinical testing. Allele origin: germline.
Comment: Variant summary: C3 c.1344C>T alters a conserved nucleotide resulting in a synonymous change. Consensus agreement among computation tools predict no significant impact on normal splicing. However, these predictions have yet to be confirmed by functional studies. The variant allele was found at a frequency of 0.0003 in 251358 control chromosomes, predominantly at a frequency of 0.0035 within the African or African-American subpopulation in the gnomAD database. To our knowledge, no occurrence of c.1344C>T in individuals affected with C3 related diseases and no experimental evidence demonstrating its impact on protein function have been reported. ClinVar contains an entry for this variant (Variation ID: 783814). Based on the evidence outlined above, the variant was classified as likely benign.

Blueprint Genetics
Classification: Likely benign. Last evaluated: 2024-01-24. Review status: criteria provided, single submitter. Criteria: ACMG Guidelines, 2015. Collection method: clinical testing. Allele origin: germline.

Fulgent Genetics
Classification: Likely benign for Age related macular degeneration 9; Atypical hemolytic-uremic syndrome with C3 anomaly; Complement component 3 deficiency. Last evaluated: 2021-09-16. Review status: criteria provided, single submitter. Criteria: ACMG Guidelines, 2015. Collection method: clinical testing. Allele origin: unknown.

Breakthrough Genomics
Classification: Benign. Review status: criteria provided, single submitter. Criteria: ACMG Guidelines, 2015. Collection method: not provided. Allele origin: germline. Inheritance: Autosomal recessive inheritance. Affected: yes.

PreventionGenetics, part of Exact Sciences
Classification: Likely benign for C3-related condition. Last evaluated: 2019-05-23. Review status: no assertion criteria provided. Collection method: clinical testing. Allele origin: germline. Not counted in ClinVar's aggregate classification.
Comment: This variant is classified as likely benign based on ACMG/AMP sequence variant interpretation guidelines (Richards et al. 2015 PMID: 25741868, with internal and published modifications).